The following is an entry in ClinVar:

NM_032447.5(FBN3):c.7780G>T (p.Val2594Phe)

Gene: FBN3 (fibrillin 3; minus strand). Cytogenetic location: 19p13.2.
Variant type: single nucleotide variant.
Coding change: c.7780G>T on transcript NM_032447.5 (MANE Select); coding-DNA position 7780, G replaced by T.
Protein change: p.Val2594Phe; replaces valine 2594 with phenylalanine.
Molecular consequence: missense variant.
Genome position (GRCh38, 1-based): chr19:8,073,220, C>A on the plus strand (G>T on the coding strand, the complement: FBN3 is on the minus strand). VCF-style: chr19-8073220-C-A. GRCh37 (hg19) VCF-style: chr19-8138104-C-A.
Other names: c.7780G>T, p.Val2594Phe (NM_001321431.2); short protein forms V2594F.
Identifiers: ClinVar variation 4700434 (VCV004700434.1).

ClinVar aggregate classification (germline): Uncertain significance (1 of 4 stars; one submission).

gnomAD v4.1: 7 of 1,613,940 alleles (0.00043%); highest among the groups gnomAD compares: African/African-American, 0.008%; no homozygotes.

Submission:

Labcorp Genetics (formerly Invitae), Labcorp
Classification: Uncertain significance. Last evaluated: 2025-06-12. Review status: criteria provided, single submitter. Criteria: Invitae Variant Classification Sherloc (09022015). Collection method: clinical testing. Allele origin: germline.
Comment: This sequence change replaces valine, which is neutral and non-polar, with phenylalanine, which is neutral and non-polar, at codon 2594 of the FBN3 protein (p.Val2594Phe). This variant is present in population databases (rs35318692, gnomAD 0.01%). This variant has not been reported in the literature in individuals affected with FBN3-related conditions. Invitae Evidence Modeling of protein sequence and biophysical properties (such as structural, functional, and spatial information, amino acid conservation, physicochemical variation, residue mobility, and thermodynamic stability) indicates that this missense variant is not expected to disrupt FBN3 protein function with a negative predictive value of 80%. In summary, the available evidence is currently insufficient to determine the role of this variant in disease. Therefore, it has been classified as a Variant of Uncertain Significance.